The following is an entry in ClinVar:

NM_001375567.1(FOCAD):c.4138_4152del (p.Glu1380_Pro1384del)

Gene: FOCAD (focadhesin; plus strand). Cytogenetic location: 9p21.3.
Variant type: Deletion.
Coding change: c.4138_4152del on transcript NM_001375567.1 (MANE Select); coding-DNA positions 4138 to 4152, 15 bases deleted (GAATCTGTGCCTCCT).
Protein change: p.Glu1380_Pro1384del.
Genome position (GRCh38, 1-based): chr9:20,976,425-20,976,439, GAATCTGTGCCTCCT deleted; deleting any 15 consecutive bases within chr9:20,976,421-20,976,439 gives the same sequence; the c. name uses the placement nearest the transcript's 3' end. VCF-style (leftmost placement, unchanged base first): chr9-20976420-GTCCTGAATCTGTGCC-G. GRCh37 (hg19) VCF-style: chr9-20976419-GTCCTGAATCTGTGCC-G.
Other names: c.4033_4047del, p.Glu1345_Pro1349del (NM_001375568.1, NM_001375570.1); c.4138_4152del, p.Glu1380_Pro1384del (NM_017794.5).
Identifiers: ClinVar variation 4798296 (VCV004798296.1).

ClinVar aggregate classification (germline): Uncertain significance (1 of 4 stars; one submission).

Submission:

Labcorp Genetics (formerly Invitae), Labcorp
Classification: Uncertain significance. Last evaluated: 2025-06-04. Review status: criteria provided, single submitter. Criteria: Invitae Variant Classification Sherloc (09022015). Collection method: clinical testing. Allele origin: germline.
Comment: This variant, c.4138_4152del, results in the deletion of 5 amino acid(s) of the FOCAD protein (p.Glu1380_Pro1384del), but otherwise preserves the integrity of the reading frame. This variant is present in population databases (rs750983131, gnomAD 0.02%). This variant has not been reported in the literature in individuals affected with FOCAD-related conditions. Experimental studies and prediction algorithms are not available or were not evaluated, and the functional significance of this variant is currently unknown. In summary, the available evidence is currently insufficient to determine the role of this variant in disease. Therefore, it has been classified as a Variant of Uncertain Significance.